The following is an entry in ClinVar:

ClinVar aggregate classification (germline): Pathogenic (1 of 4 stars; one submission).

Conditions:
Familial adenomatous polyposis 1 (FAP1). Also called: POLYPOSIS, ADENOMATOUS INTESTINAL; FAMILIAL ADENOMATOUS POLYPOSIS 1, ATTENUATED. Identifiers: MedGen C2713442, MONDO:0021056, OMIM 175100. Disease mechanism: loss of function.

Submission:

Myriad Genetics, Inc.
Classification: Pathogenic for Familial adenomatous polyposis 1. Last evaluated: 2023-05-15. Review status: criteria provided, single submitter. Criteria: Myriad Autosomal Dominant, Autosomal Recessive and X-Linked Classification Criteria (2023). Collection method: clinical testing. Allele origin: unknown.
Comment: This variant is considered pathogenic. This variant creates a frameshift predicted to result in premature protein truncation.

NM_000038.6(APC):c.6365dup (p.Cys2123fs)

Gene: APC (APC regulator of Wnt signaling pathway; plus strand). Cytogenetic location: 5q22.2.
Variant type: Duplication.
Coding change: c.6365dup on transcript NM_000038.6 (MANE Select); coding-DNA position 6365, one base duplicated (C; older notation c.6365dupC).
Protein change: p.Cys2123fs; shifts the reading frame from cysteine 2123.
Molecular consequence: frameshift variant. On other transcripts: non-coding transcript variant (2).
Genome position (GRCh38, 1-based): chr5:112,841,959, C duplicated. VCF-style (leftmost placement, unchanged base first): chr5-112841958-G-GC. GRCh37 (hg19) VCF-style: chr5-112177655-G-GC.
Other names: c.6365dup, p.Cys2123fs (NM_001127510.3, NM_001354895.2, NM_001407450.1); c.6311dup, p.Cys2105fs (NM_001127511.3); c.6419dup, p.Cys2141fs (NM_001354896.2, NM_001407447.1, NM_001407448.1 and 1 more transcripts); c.6395dup, p.Cys2133fs (NM_001354897.2); c.6290dup, p.Cys2098fs (NM_001354898.2); c.6281dup, p.Cys2095fs (NM_001354899.2); c.6242dup, p.Cys2082fs (NM_001354900.2); c.6188dup, p.Cys2064fs (NM_001354901.2, NM_001407453.1); and 11 more; short protein forms C1739fs, C1840fs, C1963fs, C1994fs, C1997fs, C2022fs, C2032fs, C2040fs.
Identifiers: ClinVar variation 2583641 (VCV002583641.1), dbSNP rs2533709278, ClinGen allele CA2582341609.
Genomic context (GRCh38, chr5:112,841,958, plus strand): 5'-AAAGCTATTCAGGAAGGTGCAAATTCCATAGTAAGTAGTTTACATCAAGCTGCTGCTGCT[G>GC]CATGTTTATCTAGACAAGCTTCGTCTGATTCAGATTCCATCCTTTCCCTGAAATCAGGAA-3'